The following is an entry in ClinVar:

ClinVar aggregate classification (germline): Uncertain significance (1 of 4 stars; one submission).

Conditions:
Chuvash polycythemia. Also called: POLYCYTHEMIA, VHL-DEPENDENT. Identifiers: Orphanet 238557, MedGen C1837915, MONDO:0009892, OMIM 263400.
Von Hippel-Lindau syndrome (VHLS). Also called: von Hippel–Lindau syndrome; Von Hippel-Lindau; VHL syndrome. Identifiers: Orphanet 892, MedGen C0019562, MONDO:0008667, OMIM 193300. Disease mechanism: loss of function.

Allele frequency attached by ClinVar (database versions not stated): TOPMed 0.00001.

Submission:

Labcorp Genetics (formerly Invitae), Labcorp
Classification: Uncertain significance for Von Hippel-Lindau syndrome; Chuvash polycythemia. Last evaluated: 2020-02-26. Review status: criteria provided, single submitter. Criteria: Invitae Variant Classification Sherloc (09022015). Collection method: clinical testing. Allele origin: germline.
Comment: In summary, the available evidence is currently insufficient to determine the role of this variant in disease. Therefore, it has been classified as a Variant of Uncertain Significance. Experimental studies and prediction algorithms are not available or were not evaluated, and the functional significance of this variant is currently unknown. This variant has not been reported in the literature in individuals with VHL-related conditions. The frequency data for this variant in the population databases is considered unreliable, as metrics indicate insufficient coverage at this position in the ExAC database. This sequence change falls in intron 1 of the VHL gene. It is not expected to change the encoded amino acid sequence of the VHL protein. However, this sequence change falls within a cryptic exon in the VHL gene, known as exon E1’, which is naturally expressed at low levels in several human tissues (PMID: 29891534).

Literature cited by the submitters: PubMed 29891534.

NM_000551.4(VHL):c.340+641G>C

Genes: VHL (von Hippel-Lindau tumor suppressor; plus strand), LOC107303340 (3p25 von Hippel-Lindau tumor suppressor, E3 ubiquitin protein ligase Alu-mediated recombination region; plus strand). Cytogenetic location: 3p25.3.
Variant type: single nucleotide variant.
Coding change: c.340+641G>C on transcript NM_000551.4 (MANE Select); 641 bases into the intron after coding-DNA position 340, G replaced by C.
Molecular consequence: intron variant. On other transcripts: missense variant (1).
Genome position (GRCh38, 1-based): chr3:10,142,828, G>C. VCF-style: chr3-10142828-G-C. GRCh37 (hg19) VCF-style: chr3-10184512-G-C.
Other names: c.406G>C, p.Gly136Arg (NM_001354723.2); c.340+641G>C (NM_198156.3); short protein forms G136R.
Identifiers: ClinVar variation 1008258 (VCV001008258.11), dbSNP rs1422221693, ClinGen allele CA896160198.